The following is an entry in ClinVar:

NM_001035.3(RYR2):c.4751dup (p.Arg1585fs)

Gene: RYR2 (ryanodine receptor 2; plus strand). Cytogenetic location: 1q43.
Variant type: Duplication.
Coding change: c.4751dup on transcript NM_001035.3 (MANE Select); coding-DNA position 4751, one base duplicated (C; older notation c.4751dupC).
Protein change: p.Arg1585fs; shifts the reading frame from arginine 1585.
Molecular consequence: frameshift variant.
Genome position (GRCh38, 1-based): chr1:237,610,829, C duplicated; the last of 6 consecutive C bases (chr1:237,610,824-237,610,829); duplicating any one gives the same sequence. VCF-style (leftmost placement, unchanged base first): chr1-237610823-G-GC. GRCh37 (hg19) VCF-style: chr1-237774123-G-GC.
Other names: short protein forms R1585fs.
Identifiers: ClinVar variation 3650178 (VCV003650178.1).

ClinVar aggregate classification (germline): Uncertain significance (1 of 4 stars; one submission).

Conditions:
Catecholaminergic polymorphic ventricular tachycardia 1. Also called: RYR2-Related Catecholaminergic Polymorphic Ventricular Tachycardia; VENTRICULAR TACHYCARDIA, CATECHOLAMINERGIC POLYMORPHIC, 1, WITH OR WITHOUT ATRIAL DYSFUNCTION AND/OR DILATED CARDIOMYOPATHY; VENTRICULAR TACHYCARDIA, STRESS-INDUCED POLYMORPHIC 1. Identifiers: Orphanet 3286, MedGen C1631597, MONDO:0011484, OMIM 604772.

Submission:

Labcorp Genetics (formerly Invitae), Labcorp
Classification: Uncertain significance for Catecholaminergic polymorphic ventricular tachycardia 1. Last evaluated: 2024-09-23. Review status: criteria provided, single submitter. Criteria: Invitae Variant Classification Sherloc (09022015). Collection method: clinical testing. Allele origin: germline.
Comment: This sequence change creates a premature translational stop signal (p.Arg1585Alafs*29) in the RYR2 gene. It is expected to result in an absent or disrupted protein product. However, the current clinical and genetic evidence is not sufficient to establish whether loss-of-function variants in RYR2 cause disease. The frequency data for this variant in the population databases is considered unreliable, as metrics indicate poor data quality at this position in the gnomAD database. This variant has not been reported in the literature in individuals affected with RYR2-related conditions. In summary, the available evidence is currently insufficient to determine the role of this variant in disease. Therefore, it has been classified as a Variant of Uncertain Significance.